The following is an entry in ClinVar:

ClinVar aggregate classification (germline): Uncertain significance. Review status: criteria provided, multiple submitters, no conflicts (2 of 4 stars). 2 submissions from 2 submitters: Uncertain significance (2). Last evaluated 2025-02-01.

Conditions:
Inborn genetic diseases. Identifiers: MedGen C0950123, MeSH D030342.

Allele frequency attached by ClinVar (database versions not stated): gnomAD exomes below 0.00001; ExAC 0.00001.

Submissions (2):

Ambry Genetics
Classification: Uncertain significance for Inborn genetic diseases. Last evaluated: 2025-02-01. Review status: criteria provided, single submitter. Criteria: Ambry Variant Classification Scheme 2023. Collection method: clinical testing. Allele origin: germline.

Labcorp Genetics (formerly Invitae), Labcorp
Classification: Uncertain significance. Last evaluated: 2021-10-16. Review status: criteria provided, single submitter. Criteria: Invitae Variant Classification Sherloc (09022015). Collection method: clinical testing. Allele origin: germline.
Comment: In summary, the available evidence is currently insufficient to determine the role of this variant in disease. Therefore, it has been classified as a Variant of Uncertain Significance. Algorithms developed to predict the effect of missense changes on protein structure and function are either unavailable or do not agree on the potential impact of this missense change (SIFT: "Tolerated"; PolyPhen-2: "Possibly Damaging"; Align-GVGD: "Class C0"). This variant has not been reported in the literature in individuals affected with GRM6-related conditions. This variant is present in population databases (rs746340451, ExAC 0.002%). This sequence change replaces methionine with isoleucine at codon 834 of the GRM6 protein (p.Met834Ile). The methionine residue is highly conserved and there is a small physicochemical difference between methionine and isoleucine.

NM_000843.4(GRM6):c.2502G>C (p.Met834Ile)

Genes: GRM6 (glutamate metabotropic receptor 6; minus strand), ZNF454 (zinc finger protein 454; plus strand). Cytogenetic location: 5q35.3.
Variant type: single nucleotide variant.
Coding change: c.2502G>C on transcript NM_000843.4 (MANE Select); coding-DNA position 2502, G replaced by C.
Protein change: p.Met834Ile; replaces methionine 834 with isoleucine.
Molecular consequence: missense variant.
Genome position (GRCh38, 1-based): chr5:178,981,789, C>G on the plus strand (G>C on the coding strand, the complement: GRM6 is on the minus strand). VCF-style: chr5-178981789-C-G. GRCh37 (hg19) VCF-style: chr5-178408790-C-G.
Other names: c.2502G>C (NM_000843.3); short protein forms M834I.
Identifiers: ClinVar variation 1510961 (VCV001510961.7), dbSNP rs746340451, ClinGen allele CA3593519.
Genomic context (GRCh38, chr5:178,981,789, plus strand): 5'-TCGCTTCTGCACATTCTGCTCTGGATGGAAGAGGATGACGTAGGTTTTGGGTACGTAGAG[C>G]ATGCCGAGGGACACCGAGGCACTCAGGCTCAAGGACACGGTTAGCGTGGTTGTCTGGATG-3'
Protein context (NP_000834.2, residues 824-844): LSLSASVSLG[Met834Ile]LYVPKTYVIL